The following is an entry in ClinVar:

NM_199420.4(POLQ):c.2449A>G (p.Thr817Ala)

Gene: POLQ (DNA polymerase theta; minus strand). Cytogenetic location: 3q13.33.
Variant type: single nucleotide variant.
Coding change: c.2449A>G on transcript NM_199420.4 (MANE Select); coding-DNA position 2449, A replaced by G.
Protein change: p.Thr817Ala; replaces threonine 817 with alanine.
Molecular consequence: missense variant.
Genome position (GRCh38, 1-based): chr3:121,493,551, T>C on the plus strand (A>G on the coding strand, the complement: POLQ is on the minus strand). VCF-style: chr3-121493551-T-C. GRCh37 (hg19) VCF-style: chr3-121212398-T-C.
Other names: short protein forms T817A.
Identifiers: ClinVar variation 1791436 (VCV001791436.2), dbSNP rs2048088813, ClinGen allele CA354107594.

ClinVar aggregate classification (germline): Uncertain significance (1 of 4 stars; one submission).

Allele frequency attached by ClinVar (database versions not stated): TOPMed below 0.00001; gnomAD 0.00001.
gnomAD v4.1: 1 of 1,613,816 alleles (0.000062%); highest among the groups gnomAD compares: Non-Finnish European, 0.000085%; no homozygotes.

Submission:

Ambry Genetics
Classification: Uncertain significance. Last evaluated: 2022-06-28. Review status: criteria provided, single submitter. Criteria: Ambry Variant Classification Scheme 2023. Collection method: clinical testing. Allele origin: germline.
Comment: The p.T817A variant (also known as c.2449A>G), located in coding exon 15 of the POLQ gene, results from an A to G substitution at nucleotide position 2449. The threonine at codon 817 is replaced by alanine, an amino acid with similar properties. This amino acid position is conserved. In addition, this alteration is predicted to be tolerated by in silico analysis. Since supporting evidence is limited at this time, the clinical significance of this alteration remains unclear.